The following is an entry in ClinVar:

NM_025114.4(CEP290):c.3516A>G (p.Gln1172=)

Gene: CEP290 (centrosomal protein 290; minus strand). Cytogenetic location: 12q21.32.
Variant type: single nucleotide variant.
Coding change: c.3516A>G on transcript NM_025114.4 (MANE Select); coding-DNA position 3516, A replaced by G.
Protein change: p.Gln1172=; no amino-acid change (glutamine 1172 retained).
Molecular consequence: synonymous variant.
Genome position (GRCh38, 1-based): chr12:88,090,785, T>C on the plus strand (A>G on the coding strand, the complement: CEP290 is on the minus strand). VCF-style: chr12-88090785-T-C. GRCh37 (hg19) VCF-style: chr12-88484562-T-C.
Identifiers: ClinVar variation 3347871 (VCV003347871.2).
Genomic context (GRCh38, chr12:88,090,785, plus strand): 5'-TACCTGATAGTCTAGCAGTTGCATTCTGAGGGACTCTACTTCCTTGTCCCTAGATTGTTG[T>C]TGTGCATTCAAAATTTCAACTTGTCTTCTGGCAATATCAGAAATCTCTCTCAGTCTAGGA-3'
Protein context (NP_079390.3, residues 1162-1182): ARRQVEILNA[Gln1172=]QQSRDKEVES

ClinVar aggregate classification (germline): Uncertain significance. Review status: criteria provided, single submitter (1 of 4 stars). 2 submissions from 2 submitters: Uncertain significance (1). 1 of the submissions does not count toward it. Last evaluated 2024-01-23.

Conditions:
CEP290-related disorder. Also called: CEP290-related disorders; CEP290-related condition. Identifiers: MedGen CN239314.
Leber congenital amaurosis 10 (LCA10). Identifiers: Orphanet 65, MedGen C1857821, MONDO:0012723, OMIM 611755.
Joubert syndrome 5 (JBTS5). Identifiers: Orphanet 2318, MedGen C1857780, MONDO:0012432, OMIM 610188.
Bardet-Biedl syndrome 14 (BBS14). Identifiers: Orphanet 110, MedGen C2673874, MONDO:0014442, OMIM 615991.
Meckel syndrome, type 4 (MKS4). Also called: MECKEL-GRUBER SYNDROME, TYPE 4. Identifiers: Orphanet 564, MedGen C1970161, MONDO:0012626, OMIM 611134.
Senior-Loken syndrome 6 (SLSN6). Identifiers: Orphanet 3156, MedGen C1857779, MONDO:0012433, OMIM 610189.

gnomAD v4.1: 1 of 1,563,132 alleles (0.000064%); highest among the groups gnomAD compares: South Asian, 0.0012%; no homozygotes.

Submissions (2):

Fulgent Genetics
Classification: Uncertain significance for Joubert syndrome 5; Senior-Loken syndrome 6; Meckel syndrome, type 4; Leber congenital amaurosis 10; Bardet-Biedl syndrome 14. Last evaluated: 2024-01-23. Review status: criteria provided, single submitter. Criteria: ACMG Guidelines, 2015. Collection method: clinical testing. Allele origin: germline.

PreventionGenetics, part of Exact Sciences
Classification: Likely benign for CEP290-related condition. Last evaluated: 2024-09-29. Review status: no assertion criteria provided. Collection method: clinical testing. Allele origin: germline. Not counted in ClinVar's aggregate classification.
Comment: This variant is classified as likely benign based on ACMG/AMP sequence variant interpretation guidelines (Richards et al. 2015 PMID: 25741868, with internal and published modifications).